The following is an entry in ClinVar:

ClinVar aggregate classification (germline): Pathogenic/Likely pathogenic. Review status: criteria provided, multiple submitters, no conflicts (2 of 4 stars). 2 submissions from 2 submitters: Pathogenic (1); Likely pathogenic (1). Last evaluated 2024-11-11.

Submissions (2):

Labcorp Genetics (formerly Invitae), Labcorp
Classification: Pathogenic. Last evaluated: 2024-11-11. Review status: criteria provided, single submitter. Criteria: Invitae Variant Classification Sherloc (09022015). Collection method: clinical testing. Allele origin: germline.
Comment: This sequence change replaces glycine, which is neutral and non-polar, with aspartic acid, which is acidic and polar, at codon 216 of the COL2A1 protein (p.Gly216Asp). This variant is not present in population databases (gnomAD no frequency). This missense change has been observed in individuals with clinical features of Stickler syndrome (PMID: 20179744; internal data). ClinVar contains an entry for this variant (Variation ID: 420058). Invitae Evidence Modeling of protein sequence and biophysical properties (such as structural, functional, and spatial information, amino acid conservation, physicochemical variation, residue mobility, and thermodynamic stability) indicates that this missense variant is expected to disrupt COL2A1 protein function with a positive predictive value of 95%. This variant disrupts the triple helix domain of COL2A1. Glycine residues within the Gly-Xaa-Yaa repeats of the triple helix domain are required for the structure and stability of fibrillar collagens (PMID: 7695699, 8218237, 19344236). In COL2A1, variants affecting these glycine residues are significantly enriched in individuals with disease (PMID: 9016532, 17078022) compared to the general population (ExAC). For these reasons, this variant has been classified as Pathogenic.

GeneDx
Classification: Likely pathogenic. Last evaluated: 2017-03-21. Review status: criteria provided, single submitter. Criteria: GeneDx Variant Classification (06012015). Collection method: clinical testing. Allele origin: germline. Affected: yes.
Comment: G216D is not observed in large population cohorts (Lek et al., 2016; 1000 GenomesConsortium et al., 2015; Exome Variant Server). The G216D variant is a non-conservative amino acid substitution,which is likely to impact secondary protein structure as these residues differ in polarity, charge, size and/or otherproperties. In addition, this substitution occurs at a position that is conserved across species, and in silico analysispredicts this variant is probably damaging to the protein structure/function. G216D results in substitution of aGlycine residue in the Gly-X-Y repetitive motif of the triple helical region of the COL2A1 gene. In this domain, theGlycine in the triplet repeat is critical for protein folding and substitution of a triplet Glycine is a known pathogenicmechanism (Stenson et al., 2014; Symoens et al., 2012). Furthermore, missense variants in nearby residues (G213D,G219R) have been reported in the Human Gene Mutation Database in association with Stickler syndrome (Stenson etal., 2014).

Literature cited by the submitters: PubMed 20179744 (cited by Labcorp Genetics (formerly Invitae), Labcorp); PubMed 7695699 (cited by Labcorp Genetics (formerly Invitae), Labcorp); PubMed 8218237 (cited by Labcorp Genetics (formerly Invitae), Labcorp); PubMed 19344236 (cited by Labcorp Genetics (formerly Invitae), Labcorp); PubMed 9016532 (cited by Labcorp Genetics (formerly Invitae), Labcorp); PubMed 17078022 (cited by Labcorp Genetics (formerly Invitae), Labcorp).

NM_001844.5(COL2A1):c.647G>A (p.Gly216Asp)

Gene: COL2A1 (collagen type II alpha 1 chain; minus strand). Cytogenetic location: 12q13.11.
Variant type: single nucleotide variant.
Coding change: c.647G>A on transcript NM_001844.5 (MANE Select); coding-DNA position 647, G replaced by A.
Protein change: p.Gly216Asp; replaces glycine 216 with aspartic acid.
Molecular consequence: missense variant.
Genome position (GRCh38, 1-based): chr12:47,995,882, C>T on the plus strand (G>A on the coding strand, the complement: COL2A1 is on the minus strand). VCF-style: chr12-47995882-C-T. GRCh37 (hg19) VCF-style: chr12-48389665-C-T.
Other names: c.440G>A, p.Gly147Asp (NM_033150.3); short protein forms G216D, G147D.
Identifiers: ClinVar variation 420058 (VCV000420058.7), dbSNP rs1064794264, ClinGen allele CA16619530.